The following is an entry in ClinVar:

NM_000051.4(ATM):c.549T>A (p.His183Gln)

Gene: ATM (ATM serine/threonine kinase; plus strand). Cytogenetic location: 11q22.3.
Variant type: single nucleotide variant.
Coding change: c.549T>A on transcript NM_000051.4 (MANE Select); coding-DNA position 549, T replaced by A.
Protein change: p.His183Gln; replaces histidine 183 with glutamine.
Molecular consequence: missense variant.
Genome position (GRCh38, 1-based): chr11:108,244,005, T>A. VCF-style: chr11-108244005-T-A. GRCh37 (hg19) VCF-style: chr11-108114732-T-A.
Other names: c.549T>A, p.His183Gln (NM_001351834.2); c.549T>A (NM_000051.3); short protein forms H183Q.
Identifiers: ClinVar variation 1387142 (VCV001387142.9), dbSNP rs1591499967, ClinGen allele CA382527690.

ClinVar aggregate classification (germline): Conflicting classifications of pathogenicity. Review status: criteria provided, conflicting classifications (1 of 4 stars). 2 submissions from 2 submitters: Uncertain significance (1); Likely benign (1). Last evaluated 2024-12-04.

Conditions:
Hereditary cancer-predisposing syndrome. Also called: Hereditary neoplastic syndrome; Neoplastic Syndromes, Hereditary; Hereditary Cancer Syndrome; Tumor predisposition. Identifiers: Orphanet 140162, MedGen C0027672, MeSH D009386, MONDO:0015356.
Ataxia-telangiectasia syndrome (AT). Also called: Ataxia-telangiectasia, complementation group D; Ataxia telangiectasia (A-T); Cerebello-oculocutaneous telangiectasia; Immunodeficiency with ataxia telangiectasia; ATAXIA-TELANGIECTASIA, COMPLEMENTATION GROUP A; ATAXIA-TELANGIECTASIA, FRESNO VARIANT. Identifiers: Orphanet 100, MedGen C0004135, MONDO:0008840, OMIM 208900.

Submissions (2):

Ambry Genetics
Classification: Likely benign for Hereditary cancer-predisposing syndrome. Last evaluated: 2024-12-04. Review status: criteria provided, single submitter. Criteria: Ambry Variant Classification Scheme 2023. Collection method: clinical testing. Allele origin: germline.

Labcorp Genetics (formerly Invitae), Labcorp
Classification: Uncertain significance for Ataxia-telangiectasia syndrome. Last evaluated: 2020-11-06. Review status: criteria provided, single submitter. Criteria: Invitae Variant Classification Sherloc (09022015). Collection method: clinical testing. Allele origin: germline.
Comment: This sequence change replaces histidine with glutamine at codon 183 of the ATM protein (p.His183Gln). The histidine residue is weakly conserved and there is a small physicochemical difference between histidine and glutamine. In summary, the available evidence is currently insufficient to determine the role of this variant in disease. Therefore, it has been classified as a Variant of Uncertain Significance. Advanced modeling of protein sequence and biophysical properties (such as structural, functional, and spatial information, amino acid conservation, physicochemical variation, residue mobility, and thermodynamic stability) performed at Invitae indicates that this missense variant is not expected to disrupt ATM protein function. This variant has not been reported in the literature in individuals with ATM-related conditions. This variant is not present in population databases (ExAC no frequency).